The following is an entry in ClinVar:

ClinVar aggregate classification (germline): Benign. Review status: criteria provided, multiple submitters, no conflicts (2 of 4 stars). 6 submissions from 6 submitters: Benign (5). 1 of the submissions does not count toward it. Last evaluated 2026-02-04.

Conditions:
Hereditary spastic paraplegia 49 (HSAN9). Also called: Spastic paraplegia 49, autosomal recessive; NEUROPATHY, HEREDITARY SENSORY AND AUTONOMIC, TYPE IX, WITH DEVELOPMENTAL DELAY; TECPR2-Related Hereditary Sensory and Autonomic Neuropathy with Intellectual Disability. Identifiers: Orphanet 320385, MedGen C5190860, MONDO:0014016, OMIM 615031.

Allele frequency attached by ClinVar (database versions not stated): gnomAD exomes 0.05859; ExAC 0.06655; 1000 Genomes Project 0.08606; 1000 Genomes Project 30x 0.09057; gnomAD 0.09899 and 0.10438; TOPMed 0.10135; ESP Exome Variant Server 0.11033.
gnomAD v4.1: 99,852 of 1,584,288 alleles (6.3%); highest among the groups gnomAD compares: African/African-American, 22%; 4,232 homozygotes.

Submissions (6):

Labcorp Genetics (formerly Invitae), Labcorp
Classification: Benign for Hereditary spastic paraplegia 49. Last evaluated: 2026-02-04. Review status: criteria provided, single submitter. Criteria: Invitae Variant Classification Sherloc (09022015). Collection method: clinical testing. Allele origin: germline.

Genome-Nilou Lab
Classification: Benign for Hereditary spastic paraplegia 49. Last evaluated: 2021-07-10. Review status: criteria provided, single submitter. Criteria: ACMG Guidelines, 2015. Collection method: clinical testing. Allele origin: germline. Affected: no.

Mayo Clinic Laboratories, Mayo Clinic
Classification: Benign. Last evaluated: 2017-08-24. Review status: criteria provided, single submitter. Criteria: ACMG Guidelines, 2015. Collection method: clinical testing. Allele origin: germline. Observed: 102 variant alleles.

GeneDx
Classification: Benign. Last evaluated: 2016-02-01. Review status: criteria provided, single submitter. Criteria: GeneDx Variant Classification (06012015). Collection method: clinical testing. Allele origin: germline. Affected: yes.
Comment: This variant is considered likely benign or benign based on one or more of the following criteria: it is a conservative change, it occurs at a poorly conserved position in the protein, it is predicted to be benign by multiple in silico algorithms, and/or has population frequency not consistent with disease.

Breakthrough Genomics
Classification: Benign. Review status: criteria provided, single submitter. Criteria: ACMG Guidelines, 2015. Collection method: not provided. Allele origin: germline. Inheritance: Autosomal recessive inheritance. Affected: yes.

Natera, Inc.
Classification: Benign for Autosomal recessive spastic paraplegia type 49. Last evaluated: 2020-09-16. Review status: no assertion criteria provided. Collection method: clinical testing. Allele origin: germline. Not counted in ClinVar's aggregate classification.

NM_014844.5(TECPR2):c.2760C>T (p.Ser920=)

Gene: TECPR2 (tectonin beta-propeller repeat containing 2; plus strand). Cytogenetic location: 14q32.31.
Variant type: single nucleotide variant.
Coding change: c.2760C>T on transcript NM_014844.5 (MANE Select); coding-DNA position 2760, C replaced by T.
Protein change: p.Ser920=; no amino-acid change (serine 920 retained).
Molecular consequence: synonymous variant.
Genome position (GRCh38, 1-based): chr14:102,443,654, C>T. VCF-style: chr14-102443654-C-T. GRCh37 (hg19) VCF-style: chr14-102909991-C-T.
Other names: p.Ser920=; c.2760C>T, p.Ser920= (NM_001172631.3).
Identifiers: ClinVar variation 380902 (VCV000380902.16), dbSNP rs17100923, ClinGen allele CA7358048.